The following is an entry in ClinVar:

ClinVar aggregate classification (germline): Uncertain significance (1 of 4 stars; one submission).

Conditions:
Polydactyly, postaxial, type A1. Identifiers: MedGen C4282400, MONDO:0008266, OMIM 174200.

Submission:

Neuberg Centre For Genomic Medicine, NCGM
Classification: Uncertain significance for Polydactyly, postaxial, type A1. Review status: criteria provided, single submitter. Criteria: ACMG Guidelines, 2015. Collection method: clinical testing. Allele origin: germline. Inheritance: Autosomal dominant inheritance. Affected: yes.
Comment: The frameshift variant c.3816_3817delp.Cys1272TrpfsTer31 in GLI3 gene has not been reported previously as a pathogenic variant nor as a benign variant, to our knowledge. The p.Cys1272TrpfsTer31 variant is novel not in any individuals in gnomAD Exomes and 1000 Genomes. This variant has not been reported to the ClinVar database. This variant causes a frameshift starting with codon Cysteine 1272, changes this amino acid to Tryptophan residue, and creates a premature Stop codon at position 31 of the new reading frame, denoted p.Cys1272TrpfsTer31. Loss of function variants have been previously reported to be disease causing. However since this variant is present in the last exon, functional studies will be required to prove protein truncation. Hence the variant is classified as Uncertain Significance VUS.

NM_000168.6(GLI3):c.3816_3817del (p.Cys1272fs)

Gene: GLI3 (GLI family zinc finger 3; minus strand). Cytogenetic location: 7p14.1.
Variant type: Microsatellite.
Coding change: c.3816_3817del on transcript NM_000168.6 (MANE Select); coding-DNA positions 3816 to 3817, 2 bases deleted (TG; older notation c.3816_3817delTG).
Protein change: p.Cys1272fs; shifts the reading frame from cysteine 1272.
Molecular consequence: frameshift variant.
Genome position (GRCh38, 1-based): chr7:41,965,256-41,965,257, CA deleted on the plus strand (TG on the coding strand, the reverse complement: GLI3 is on the minus strand); deleting any 2 consecutive bases within chr7:41,965,256-41,965,259 gives the same sequence; the c. name uses the placement nearest the transcript's 3' end. VCF-style (leftmost placement, unchanged base first): chr7-41965255-CCA-C. GRCh37 (hg19) VCF-style: chr7-42004853-CCA-C.
Other names: short protein forms C1272fs.
Identifiers: ClinVar variation 3235005 (VCV003235005.1), dbSNP rs2484368750, ClinGen allele CA2825001546.
Genomic context (GRCh38, chr7:41,965,255, plus strand): 5'-AGCTGGCCCCCGCTCCCTTGCATGGGGGTGCTCTTCAGCTTTGAGGCTTGAATCCCGGCA[CCA>C]CAGGCACCGTCGAGTGCACCAGGGGCCACTGGCTGCCTGTTGAGACAGTTCCCATACTGC-3'